The following is an entry in ClinVar:

ClinVar aggregate classification (germline): Uncertain significance (1 of 4 stars; one submission).

gnomAD v4.1: 3 of 1,614,146 alleles (0.00019%); highest among the groups gnomAD compares: Non-Finnish European, 0.00025%; no homozygotes.

Submission:

Ambry Genetics
Classification: Uncertain significance. Last evaluated: 2025-07-28. Review status: criteria provided, single submitter. Criteria: Ambry Variant Classification Scheme 2023. Collection method: clinical testing. Allele origin: germline.
Comment: The p.Q493E variant (also known as c.1477C>G), located in coding exon 9 of the GALNT12 gene, results from a C to G substitution at nucleotide position 1477. The glutamine at codon 493 is replaced by glutamic acid, an amino acid with highly similar properties. This amino acid position is conserved. In addition, this alteration is predicted to be tolerated by in silico analysis. Based on the available evidence, the clinical significance of this variant remains unclear.

NM_024642.5(GALNT12):c.1477C>G (p.Gln493Glu)

Gene: GALNT12 (polypeptide N-acetylgalactosaminyltransferase 12; plus strand). Cytogenetic location: 9q22.33.
Variant type: single nucleotide variant.
Coding change: c.1477C>G on transcript NM_024642.5 (MANE Select); coding-DNA position 1477, C replaced by G.
Protein change: p.Gln493Glu; replaces glutamine 493 with glutamic acid.
Molecular consequence: missense variant.
Genome position (GRCh38, 1-based): chr9:98,845,995, C>G. VCF-style: chr9-98845995-C-G. GRCh37 (hg19) VCF-style: chr9-101608277-C-G.
Other names: short protein forms Q493E.
Identifiers: ClinVar variation 4261475 (VCV004261475.1).